The following is an entry in ClinVar:

ClinVar aggregate classification (germline): Uncertain significance (1 of 4 stars; one submission).

Conditions:
RASopathy. Also called: Noonan spectrum disorder; rasopathies. Identifiers: Orphanet 536391, MedGen C5555857, MONDO:0021060.

Submission:

Labcorp Genetics (formerly Invitae), Labcorp
Classification: Uncertain significance for RASopathy. Last evaluated: 2023-10-03. Review status: criteria provided, single submitter. Criteria: Invitae Variant Classification Sherloc (09022015). Collection method: clinical testing. Allele origin: germline.
Comment: This sequence change falls in intron 12 of the BRAF gene. It does not directly change the encoded amino acid sequence of the BRAF protein. It affects a nucleotide within the consensus splice site. This variant is not present in population databases (gnomAD no frequency). This variant has not been reported in the literature in individuals affected with BRAF-related conditions. Variants that disrupt the consensus splice site are a relatively common cause of aberrant splicing (PMID: 17576681, 9536098). Algorithms developed to predict the effect of sequence changes on RNA splicing suggest that this variant may disrupt the consensus splice site. In summary, the available evidence is currently insufficient to determine the role of this variant in disease. Therefore, it has been classified as a Variant of Uncertain Significance.

Literature cited by the submitters: PubMed 17576681; PubMed 9536098.

NM_004333.6(BRAF):c.1517+5G>A

Gene: BRAF (B-Raf proto-oncogene, serine/threonine kinase; minus strand). Cytogenetic location: 7q34.
Variant type: single nucleotide variant.
Coding change: c.1517+5G>A on transcript NM_004333.6 (MANE Select); 5 bases into the intron after coding-DNA position 1517, G replaced by A.
Molecular consequence: intron variant.
Genome position (GRCh38, 1-based): chr7:140,777,986, C>T on the plus strand (G>A on the coding strand, the complement: BRAF is on the minus strand). VCF-style: chr7-140777986-C-T. GRCh37 (hg19) VCF-style: chr7-140477786-C-T.
Other names: c.1517+5G>A (NM_001378474.1, NM_001378468.1, NM_001354609.2); c.1415+5G>A (NM_001378470.1); c.1253+5G>A (NM_001378475.1); c.1406+5G>A (NM_001378471.1); c.1637+5G>A (NM_001374258.1, NM_001374244.1); c.1526+5G>A (NM_001378467.1); c.1361+5G>A (NM_001378472.1, NM_001378473.1); c.1451+5G>A (NM_001378469.1).
Identifiers: ClinVar variation 2764826 (VCV002764826.3), dbSNP rs2129019464, ClinGen allele CA2697557635.
Genomic context (GRCh38, chr7:140,777,986, plus strand): 5'-CTGGGAACCAGGAGCTAATAAAAATAACTTCTTTCTCTGGAAAAGAGTAATTCACACAAG[C>T]TCACCTGAGTACTCCTACTTCATTTTTGAAGGCTTGTAACTGCTGAGGTGTAGGTGCTGT-3'